The following is an entry in ClinVar:

NM_003922.4(HERC1):c.13612del

Gene: HERC1 (HECT and RLD domain containing E3 ubiquitin protein ligase family member 1; minus strand). Cytogenetic location: 15q22.31.
Variant type: Deletion.
Coding change: c.13612del on transcript NM_003922.4 (MANE Select); coding-DNA position 13612, one base deleted (G; older notation c.13612delG).
Molecular consequence: splice acceptor variant.
Genome position (GRCh38, 1-based): chr15:63,622,891, C deleted on the plus strand (G on the coding strand, the reverse complement: HERC1 is on the minus strand); the first of 2 consecutive C bases (chr15:63,622,891-63,622,892); deleting either gives the same sequence. VCF-style (leftmost placement, unchanged base first): chr15-63622890-TC-T. GRCh37 (hg19) VCF-style: chr15-63915089-TC-T.
Identifiers: ClinVar variation 5005444 (VCV005005444.2).

ClinVar aggregate classification (germline): Likely pathogenic (1 of 4 stars; one submission).

Conditions:
Macrocephaly, dysmorphic facies, and psychomotor retardation (MDFPMR). Identifiers: Orphanet 457359, MedGen C4310766, MONDO:0014863, OMIM 617011.

Submission:

Juno Genomics, Hangzhou Juno Genomics, Inc
Classification: Likely pathogenic for Macrocephaly, dysmorphic facies, and psychomotor retardation. Review status: criteria provided, single submitter. Criteria: ACMG Guidelines, 2015. Collection method: clinical testing. Allele origin: germline.
Comment: Null variant in a gene where loss of function (LOF) is a known mechanism of disease.;Absent from controls (or at extremely low frequency if recessive) in Genome Aggregation Database.